The following is an entry in ClinVar:

ClinVar aggregate classification (germline): Uncertain significance. Review status: criteria provided, multiple submitters, no conflicts (2 of 4 stars). 2 submissions from 2 submitters: Uncertain significance (2). Last evaluated 2024-07-04.

Allele frequency attached by ClinVar (database versions not stated): gnomAD exomes below 0.00001 and 0.00001; TOPMed 0.00001.
gnomAD v4.1: 5 of 1,131,911 alleles (0.00044%); highest among the groups gnomAD compares: Admixed American, 0.0026%; no homozygotes.

Submissions (2):

Dasa
Classification: Uncertain significance. Last evaluated: 2024-07-04. Review status: criteria provided, single submitter. Criteria: DASA Assertion Criteria. Collection method: clinical testing. Allele origin: germline.
Comment: NM_001111125.3(IQSEC2):c.3560C>T (p.Pro1187Leu) is a missense variant that results in the substitution of proline with leucine. This variant has been observed in affected individuals with IQSEC2-related disorders. Also, this variant is rare in population databases. Computational prediction algorithms are consistent with a benign effect. The currently available literature and clinical evidence are not sufficient to establish a definitive association between this variant and the reported condition. Therefore, this variant is classified as a variant of uncertain significance.

CeGaT Center for Human Genetics Tuebingen
Classification: Uncertain significance. Last evaluated: 2019-01-01. Review status: criteria provided, single submitter. Criteria: CeGaT Center For Human Genetics Tuebingen Variant Classification Criteria Version 2. Collection method: clinical testing. Allele origin: germline. Affected: yes. Observed: 4 variant alleles.

NM_001111125.3(IQSEC2):c.3560C>T (p.Pro1187Leu)

Gene: IQSEC2 (IQ motif and Sec7 domain ArfGEF 2; minus strand). Cytogenetic location: Xp11.22.
Variant type: single nucleotide variant.
Coding change: c.3560C>T on transcript NM_001111125.3 (MANE Select); coding-DNA position 3560, C replaced by T.
Protein change: p.Pro1187Leu; replaces proline 1187 with leucine.
Molecular consequence: missense variant. On other transcripts: 3 prime UTR variant (1).
Genome position (GRCh38, 1-based): chrX:53,235,126, G>A on the plus strand (C>T on the coding strand, the complement: IQSEC2 is on the minus strand). VCF-style: chrX-53235126-G-A. GRCh37 (hg19) VCF-style: chrX-53264308-G-A.
Other names: c.*45C>T (NM_015075.2); short protein forms P1187L.
Identifiers: ClinVar variation 624418 (VCV000624418.45), dbSNP rs1238193650, ClinGen allele CA413142442.